The following is an entry in ClinVar:

ClinVar aggregate classification (germline): Uncertain significance. Review status: criteria provided, multiple submitters, no conflicts (2 of 4 stars). 3 submissions from 3 submitters: Uncertain significance (3). Last evaluated 2025-08-04.

Conditions:
Inborn genetic diseases. Identifiers: MedGen C0950123, MeSH D030342.

Allele frequency attached by ClinVar (database versions not stated): ExAC 0.00004; gnomAD 0.00009; TOPMed 0.00012; 1000 Genomes Project 30x 0.00062; 1000 Genomes Project 0.00080.
gnomAD v4.1: 18 of 1,614,116 alleles (0.0011%); highest among the groups gnomAD compares: Admixed American, 0.012%; no homozygotes.

Submissions (3):

Ambry Genetics
Classification: Uncertain significance for Inborn genetic diseases. Last evaluated: 2025-08-04. Review status: criteria provided, single submitter. Criteria: Ambry Variant Classification Scheme 2023. Collection method: clinical testing. Allele origin: germline.

Labcorp Genetics (formerly Invitae), Labcorp
Classification: Uncertain significance. Last evaluated: 2023-12-13. Review status: criteria provided, single submitter. Criteria: Invitae Variant Classification Sherloc (09022015). Collection method: clinical testing. Allele origin: germline.
Comment: This sequence change replaces proline, which is neutral and non-polar, with serine, which is neutral and polar, at codon 197 of the SLC16A1 protein (p.Pro197Ser). This variant is present in population databases (rs574990589, gnomAD 0.03%). This variant has not been reported in the literature in individuals affected with SLC16A1-related conditions. ClinVar contains an entry for this variant (Variation ID: 1338256). An algorithm developed to predict the effect of missense changes on protein structure and function (PolyPhen-2) suggests that this variant is likely to be disruptive. In summary, the available evidence is currently insufficient to determine the role of this variant in disease. Therefore, it has been classified as a Variant of Uncertain Significance.

Genetic Services Laboratory, University of Chicago
Classification: Uncertain significance. Last evaluated: 2017-07-26. Review status: criteria provided, single submitter. Criteria: ACMG Guidelines, 2015. Collection method: clinical testing. Allele origin: germline. Affected: no.

NM_003051.4(SLC16A1):c.589C>T (p.Pro197Ser)

Gene: SLC16A1 (solute carrier family 16 member 1; minus strand). Cytogenetic location: 1p13.2.
Variant type: single nucleotide variant.
Coding change: c.589C>T on transcript NM_003051.4 (MANE Select); coding-DNA position 589, C replaced by T.
Protein change: p.Pro197Ser; replaces proline 197 with serine.
Molecular consequence: missense variant.
Genome position (GRCh38, 1-based): chr1:112,917,817, G>A on the plus strand (C>T on the coding strand, the complement: SLC16A1 is on the minus strand). VCF-style: chr1-112917817-G-A. GRCh37 (hg19) VCF-style: chr1-113460439-G-A.
Other names: c.589C>T, p.Pro197Ser (NM_001166496.2); short protein forms P197S.
Identifiers: ClinVar variation 1338256 (VCV001338256.8), dbSNP rs574990589, ClinGen allele CA1011404.
Genomic context (GRCh38, chr1:112,917,817, plus strand): 5'-CTTTCTCAAGGGATGCTTTAGACTTATCTTTCCCTGCCTTGGTTGGCTTGGGCCCGATTG[G>A]TCGCATGAGGGCTCCAGCAACACAGCAGTTTAGTAGCAAGCCCCCAAGAATTAGAAAGCT-3'
Protein context (NP_003042.3, residues 187-207): NCCVAGALMR[Pro197Ser]IGPKPTKAGK